The following is an entry in ClinVar:

NM_213599.3(ANO5):c.1516del (p.Ser506fs)

Gene: ANO5 (anoctamin 5; plus strand). Cytogenetic location: 11p14.3.
Variant type: Deletion.
Coding change: c.1516del on transcript NM_213599.3 (MANE Select); coding-DNA position 1516, one base deleted (A; older notation c.1516delA).
Protein change: p.Ser506fs; shifts the reading frame from serine 506.
Molecular consequence: frameshift variant.
Genome position (GRCh38, 1-based): chr11:22,259,627, A deleted; the last of 4 consecutive A bases (chr11:22,259,624-22,259,627); deleting any one gives the same sequence. VCF-style (leftmost placement, unchanged base first): chr11-22259623-CA-C. GRCh37 (hg19) VCF-style: chr11-22281169-CA-C.
Other names: c.1513del, p.Ser505fs (NM_001142649.2); short protein forms S505fs, S506fs.
Identifiers: ClinVar variation 596847 (VCV000596847.8), dbSNP rs1302414683, ClinGen allele CA598389450.
Genomic context (GRCh38, chr11:22,259,623, plus strand): 5'-CCTGTCAGTCTTTGCTACATTTGCTAGTTTCATGGAAAGTGATGCATCCTTAAAGCAGGT[CA>C]AAAGCTTCCTTACTCCTCAGATAACCACATCACTCACAGGATCATGCTTGAACTTTATTG-3'

ClinVar aggregate classification (germline): Pathogenic. Review status: criteria provided, multiple submitters, no conflicts (2 of 4 stars). 2 submissions from 2 submitters: Pathogenic (2). Last evaluated 2024-05-07.

Conditions:
Autosomal recessive limb-girdle muscular dystrophy type 2L (LGMDR12). Also called: Limb-girdle muscular dystrophy, type 2L; MUSCULAR DYSTROPHY, LIMB-GIRDLE, AUTOSOMAL RECESSIVE 12; Limb-Girdle Muscular Dystrophy R12 Anoctamin-5-Related (LGMD-R12). Identifiers: Orphanet 206549, MedGen C1969785, MONDO:0012652, OMIM 611307.
Gnathodiaphyseal dysplasia (GDD). Also called: GNATHODIAPHYSEAL SCLEROSIS; OSTEOGENESIS IMPERFECTA WITH UNUSUAL SKELETAL LESIONS. Identifiers: Orphanet 53697, MedGen C1833736, MONDO:0008151, OMIM 166260.

Submissions (2):

Labcorp Genetics (formerly Invitae), Labcorp
Classification: Pathogenic for Autosomal recessive limb-girdle muscular dystrophy type 2L; Gnathodiaphyseal dysplasia. Last evaluated: 2024-05-07. Review status: criteria provided, single submitter. Criteria: Invitae Variant Classification Sherloc (09022015). Collection method: clinical testing. Allele origin: germline.
Comment: This sequence change creates a premature translational stop signal (p.Ser506Alafs*7) in the ANO5 gene. It is expected to result in an absent or disrupted protein product. Loss-of-function variants in ANO5 are known to be pathogenic (PMID: 21186264, 23606453, 25891276, 30919934). This variant is present in population databases (no rsID available, gnomAD 0.003%). This variant has not been reported in the literature in individuals affected with ANO5-related conditions. ClinVar contains an entry for this variant (Variation ID: 596847). Algorithms developed to predict the effect of sequence changes on RNA splicing suggest that this variant may disrupt the consensus splice site. For these reasons, this variant has been classified as Pathogenic.

Eurofins Ntd Llc (ga)
Classification: Pathogenic. Last evaluated: 2018-04-23. Review status: criteria provided, single submitter. Criteria: EGL ClinVar v180209 classification definitions. Collection method: clinical testing. Allele origin: germline. Observed: 1 variant allele, 1 heterozygote.

Literature cited by the submitters: PubMed 21186264 (cited by Labcorp Genetics (formerly Invitae), Labcorp); PubMed 23606453 (cited by Labcorp Genetics (formerly Invitae), Labcorp); PubMed 25891276 (cited by Labcorp Genetics (formerly Invitae), Labcorp); PubMed 30919934 (cited by Labcorp Genetics (formerly Invitae), Labcorp).